The following is an entry in ClinVar:

ClinVar aggregate classification (germline): Likely pathogenic (1 of 4 stars; one submission).

Submission:

GeneDx
Classification: Likely pathogenic. Last evaluated: 2020-01-15. Review status: criteria provided, single submitter. Criteria: GeneDx Variant Classification Process June 2021. Collection method: clinical testing. Allele origin: germline. Affected: yes.
Comment: Not observed in large population cohorts (Lek et al., 2016); Nonsense variant predicted to result in protein truncation or nonsense mediated decay in a gene for which loss-of-function is not a known mechanism of disease; Has not been previously published as pathogenic or benign to our knowledge

NM_015981.4(CAMK2A):c.809G>A (p.Trp270Ter)

Gene: CAMK2A (calcium/calmodulin dependent protein kinase II alpha; minus strand). Cytogenetic location: 5q32.
Variant type: single nucleotide variant.
Coding change: c.809G>A on transcript NM_015981.4 (MANE Select); coding-DNA position 809, G replaced by A.
Protein change: p.Trp270Ter; replaces tryptophan 270 with a stop codon.
Molecular consequence: nonsense.
Genome position (GRCh38, 1-based): chr5:150,250,695, C>T on the plus strand (G>A on the coding strand, the complement: CAMK2A is on the minus strand). VCF-style: chr5-150250695-C-T. GRCh37 (hg19) VCF-style: chr5-149630258-C-T.
Other names: c.809G>A, p.Trp270Ter (NM_001363989.1, NM_001363990.1, NM_001369025.2 and 1 more transcripts); short protein forms W270*.
Identifiers: ClinVar variation 620277 (VCV000620277.3), dbSNP rs1562164380, ClinGen allele CA361749498.